The following is an entry in ClinVar:

ClinVar aggregate classification (germline): Likely benign. Review status: criteria provided, multiple submitters, no conflicts (2 of 4 stars). 7 submissions from 7 submitters: Likely benign (7). Last evaluated 2026-06-09.

Conditions:
SZT2-related disorder. Also called: SZT2-related condition.
Inborn genetic diseases. Identifiers: MedGen C0950123, MeSH D030342.
Developmental and epileptic encephalopathy, 18 (DEE18). Also called: Early infantile epileptic encephalopathy 18. Identifiers: Orphanet 369894, MedGen C3809624, MONDO:0014201, OMIM 615476.

Allele frequency attached by ClinVar (database versions not stated): gnomAD exomes 0.00007 and 0.00016; ExAC 0.00016; ESP Exome Variant Server 0.00046; TOPMed 0.00052; gnomAD 0.00054 and 0.00056; 1000 Genomes Project 0.00080; 1000 Genomes Project 30x 0.00094.
gnomAD v4.1: 191 of 1,613,954 alleles (0.012%); highest among the groups gnomAD compares: African/African-American, 0.19%; no homozygotes.

Submissions (7):

Women's Health and Genetics/Laboratory Corporation of America, LabCorp
Classification: Likely benign. Last evaluated: 2026-06-09. Review status: criteria provided, single submitter. Criteria: LabCorp Variant Classification Summary - May 2015. Collection method: clinical testing. Allele origin: germline.

Labcorp Genetics (formerly Invitae), Labcorp
Classification: Likely benign. Last evaluated: 2025-12-09. Review status: criteria provided, single submitter. Criteria: Invitae Variant Classification Sherloc (09022015). Collection method: clinical testing. Allele origin: germline.

PreventionGenetics, part of Exact Sciences
Classification: Likely benign for SZT2-related condition. Last evaluated: 2025-10-30. Review status: criteria provided, single submitter. Criteria: ACMG Guidelines, 2015. Collection method: clinical testing. Allele origin: germline.
Comment: This variant is classified as likely benign based on ACMG/AMP sequence variant interpretation guidelines (Richards et al. 2015 PMID: 25741868, with internal and published modifications).

CeGaT Center for Human Genetics Tuebingen
Classification: Likely benign. Last evaluated: 2023-12-01. Review status: criteria provided, single submitter. Criteria: CeGaT Center For Human Genetics Tuebingen Variant Classification Criteria Version 2. Collection method: clinical testing. Allele origin: germline. Affected: yes. Observed: 1 variant allele.
Comment: SZT2: BP4, BP7

Genome-Nilou Lab
Classification: Likely benign for Developmental and epileptic encephalopathy, 18. Last evaluated: 2023-04-11. Review status: criteria provided, single submitter. Criteria: ACMG Guidelines, 2015. Collection method: clinical testing. Allele origin: germline. Affected: no.

GeneDx
Classification: Likely benign. Last evaluated: 2021-10-22. Review status: criteria provided, single submitter. Criteria: GeneDx Variant Classification Process June 2021. Collection method: clinical testing. Allele origin: germline. Affected: yes.

Ambry Genetics
Classification: Likely benign for Inborn genetic diseases. Last evaluated: 2020-01-21. Review status: criteria provided, single submitter. Criteria: Ambry Variant Classification Scheme 2023. Collection method: clinical testing. Allele origin: germline.

NM_001365999.1(SZT2):c.9201C>T (p.His3067=)

Gene: SZT2 (SZT2 subunit of KICSTOR complex; plus strand). Cytogenetic location: 1p34.2.
Variant type: single nucleotide variant.
Coding change: c.9201C>T on transcript NM_001365999.1 (MANE Select); coding-DNA position 9201, C replaced by T.
Protein change: p.His3067=; no amino-acid change (histidine 3067 retained).
Molecular consequence: synonymous variant.
Genome position (GRCh38, 1-based): chr1:43,447,083, C>T. VCF-style: chr1-43447083-C-T. GRCh37 (hg19) VCF-style: chr1-43912754-C-T.
Other names: c.9030C>T, p.His3010= (NM_015284.4).
Identifiers: ClinVar variation 699465 (VCV000699465.41), dbSNP rs114396679, ClinGen allele CA810846.